The following is an entry in ClinVar:

NM_001844.5(COL2A1):c.254G>A (p.Cys85Tyr)

Gene: COL2A1 (collagen type II alpha 1 chain; minus strand). Cytogenetic location: 12q13.11.
Variant type: single nucleotide variant.
Coding change: c.254G>A on transcript NM_001844.5 (MANE Select); coding-DNA position 254, G replaced by A.
Protein change: p.Cys85Tyr; replaces cysteine 85 with tyrosine.
Molecular consequence: missense variant. On other transcripts: intron variant (1).
Genome position (GRCh38, 1-based): chr12:47,999,957, C>T on the plus strand (G>A on the coding strand, the complement: COL2A1 is on the minus strand). VCF-style: chr12-47999957-C-T. GRCh37 (hg19) VCF-style: chr12-48393740-C-T.
Other names: c.86-1526G>A (NM_033150.3); short protein forms C85Y.
Identifiers: ClinVar variation 4087827 (VCV004087827.1).
Genomic context (GRCh38, chr12:47,999,957, plus strand): 5'-CAGGAAATAAATAAATTACAACCACTGGCAGTGGCGAGGTCAGTTGGGCAGATGGGGCAG[C>T]ACTCTCCGAAGGGGATCTCAGGGCTGAGGCAGTCTTTCACGTCTTCACAGATTATGTCGT-3'
Protein context (NP_001835.3, residues 75-95): CLSPEIPFGE[Cys85Tyr]CPICPTDLAT

ClinVar aggregate classification (germline): Uncertain significance (1 of 4 stars; one submission).

Submission:

GeneDx
Classification: Uncertain significance. Last evaluated: 2025-03-24. Review status: criteria provided, single submitter. Criteria: GeneDx Variant Classification Process June 2021. Collection method: clinical testing. Allele origin: germline. Affected: yes.
Comment: Not observed at significant frequency in large population cohorts (gnomAD); In silico analysis supports that this missense variant has a deleterious effect on protein structure/function; Has not been previously published as pathogenic or benign to our knowledge; Not located in the triple helical region, where the majority of pathogenic missense variants occur (HGMD)